The following is an entry in ClinVar:

ClinVar aggregate classification (germline): Uncertain significance. Review status: criteria provided, multiple submitters, no conflicts (2 of 4 stars). 2 submissions from 2 submitters: Uncertain significance (2). Last evaluated 2025-07-27.

Allele frequency attached by ClinVar (database versions not stated): ExAC 0.00001; TOPMed 0.00002; gnomAD 0.00002 and 0.00003; gnomAD exomes 0.00001.
gnomAD v4.1: 35 of 1,613,902 alleles (0.0022%); highest among the groups gnomAD compares: Non-Finnish European, 0.003%; no homozygotes.

Submissions (2):

Labcorp Genetics (formerly Invitae), Labcorp
Classification: Uncertain significance. Last evaluated: 2025-07-27. Review status: criteria provided, single submitter. Criteria: Invitae Variant Classification Sherloc (09022015). Collection method: clinical testing. Allele origin: germline.
Comment: This sequence change replaces proline, which is neutral and non-polar, with serine, which is neutral and polar, at codon 1410 of the COL7A1 protein (p.Pro1410Ser). This variant is present in population databases (rs778098950, gnomAD 0.003%). This variant has not been reported in the literature in individuals affected with COL7A1-related conditions. ClinVar contains an entry for this variant (Variation ID: 1339594). Invitae Evidence Modeling of protein sequence and biophysical properties (such as structural, functional, and spatial information, amino acid conservation, physicochemical variation, residue mobility, and thermodynamic stability) indicates that this missense variant is not expected to disrupt COL7A1 protein function with a negative predictive value of 95%. In summary, the available evidence is currently insufficient to determine the role of this variant in disease. Therefore, it has been classified as a Variant of Uncertain Significance.

GeneDx
Classification: Uncertain significance. Last evaluated: 2021-08-13. Review status: criteria provided, single submitter. Criteria: GeneDx Variant Classification Process June 2021. Collection method: clinical testing. Allele origin: germline. Affected: yes.
Comment: Has not been previously published as pathogenic or benign to our knowledge; Not observed at significant frequency in large population cohorts (gnomAD); Within the triple helical region in the X position of the canonical Gly-X-Y repeat; In silico analysis supports that this missense variant does not alter protein structure/function

NM_000094.4(COL7A1):c.4228C>T (p.Pro1410Ser)

Gene: COL7A1 (collagen type VII alpha 1 chain; minus strand). Cytogenetic location: 3p21.31.
Variant type: single nucleotide variant.
Coding change: c.4228C>T on transcript NM_000094.4 (MANE Select); coding-DNA position 4228, C replaced by T.
Protein change: p.Pro1410Ser; replaces proline 1410 with serine.
Molecular consequence: missense variant.
Genome position (GRCh38, 1-based): chr3:48,583,950, G>A on the plus strand (C>T on the coding strand, the complement: COL7A1 is on the minus strand). VCF-style: chr3-48583950-G-A. GRCh37 (hg19) VCF-style: chr3-48621383-G-A.
Other names: short protein forms P1410S.
Identifiers: ClinVar variation 1339594 (VCV001339594.4), dbSNP rs778098950, ClinGen allele CA2380144.